The following is an entry in ClinVar:

NM_201253.3(CRB1):c.1426A>G (p.Thr476Ala)

Gene: CRB1 (crumbs cell polarity complex component 1; plus strand). Cytogenetic location: 1q31.3.
Variant type: single nucleotide variant.
Coding change: c.1426A>G on transcript NM_201253.3 (MANE Select); coding-DNA position 1426, A replaced by G.
Protein change: p.Thr476Ala; replaces threonine 476 with alanine.
Molecular consequence: missense variant. On other transcripts: non-coding transcript variant (2).
Genome position (GRCh38, 1-based): chr1:197,421,254, A>G. VCF-style: chr1-197421254-A-G. GRCh37 (hg19) VCF-style: chr1-197390384-A-G.
Other names: c.1090A>G, p.Thr364Ala (NM_001193640.2); c.1219A>G, p.Thr407Ala (NM_001257965.2); c.1426A>G, p.Thr476Ala (NM_001257966.2); short protein forms T476A, T364A, T407A.
Identifiers: ClinVar variation 444188 (VCV000444188.50), dbSNP rs1553260314, ClinGen allele CA344030859.

ClinVar aggregate classification (germline): Uncertain significance. Review status: criteria provided, multiple submitters, no conflicts (2 of 4 stars). 7 submissions from 5 submitters: Uncertain significance (6). 1 of the submissions does not count toward it. Last evaluated 2023-04-11.

Conditions:
Leber congenital amaurosis (LCA). Also called: Leber's amaurosis. Identifiers: Orphanet 65, MedGen C0339527, MeSH D057130, MONDO:0018998.
Retinitis pigmentosa 12 (RP12). Also called: RP WITH OR WITHOUT PPRPE; RP WITH OR WITHOUT PRESERVED PARAARTERIOLE RETINAL PIGMENT EPITHELIUM; RETINITIS PIGMENTOSA WITH OR WITHOUT PARAARTERIOLAR PRESERVATION OF RETINAL PIGMENT EPITHELIUM. Identifiers: Orphanet 791, MedGen C1838647, MONDO:0010818, OMIM 600105.
Leber congenital amaurosis 8 (LCA8). Identifiers: Orphanet 65, MedGen C3151202, MONDO:0013453, OMIM 613835.
Pigmented paravenous retinochoroidal atrophy. Identifiers: Orphanet 251295, MedGen C1868310, MONDO:0008246, OMIM 172870.

Submissions (7):

Genome-Nilou Lab
Classification: Uncertain significance for Leber congenital amaurosis 8. Last evaluated: 2023-04-11. Review status: criteria provided, single submitter. Criteria: ACMG Guidelines, 2015. Collection method: clinical testing. Allele origin: germline. Affected: no.

Genome-Nilou Lab
Classification: Uncertain significance for Pigmented paravenous retinochoroidal atrophy. Last evaluated: 2023-04-11. Review status: criteria provided, single submitter. Criteria: ACMG Guidelines, 2015. Collection method: clinical testing. Allele origin: germline. Affected: no.

Genome-Nilou Lab
Classification: Uncertain significance for Retinitis pigmentosa 12. Last evaluated: 2023-04-11. Review status: criteria provided, single submitter. Criteria: ACMG Guidelines, 2015. Collection method: clinical testing. Allele origin: germline. Affected: no.

Labcorp Genetics (formerly Invitae), Labcorp
Classification: Uncertain significance for Leber congenital amaurosis 8; Retinitis pigmentosa 12. Last evaluated: 2022-07-05. Review status: criteria provided, single submitter. Criteria: Invitae Variant Classification Sherloc (09022015). Collection method: clinical testing. Allele origin: germline.
Comment: ClinVar contains an entry for this variant (Variation ID: 444188). This missense change has been observed in individual(s) with clinical features of CRB1-related conditions (Invitae). This variant is not present in population databases (gnomAD no frequency). This sequence change replaces threonine, which is neutral and polar, with alanine, which is neutral and non-polar, at codon 476 of the CRB1 protein (p.Thr476Ala). Advanced modeling of protein sequence and biophysical properties (such as structural, functional, and spatial information, amino acid conservation, physicochemical variation, residue mobility, and thermodynamic stability) performed at Invitae indicates that this missense variant is not expected to disrupt CRB1 protein function. In summary, the available evidence is currently insufficient to determine the role of this variant in disease. Therefore, it has been classified as a Variant of Uncertain Significance.

Fulgent Genetics
Classification: Uncertain significance for Pigmented paravenous retinochoroidal atrophy; Retinitis pigmentosa 12; Leber congenital amaurosis 8. Last evaluated: 2021-07-29. Review status: criteria provided, single submitter. Criteria: ACMG Guidelines, 2015. Collection method: clinical testing. Allele origin: unknown.

CeGaT Center for Human Genetics Tuebingen
Classification: Uncertain significance. Last evaluated: 2021-03-01. Review status: criteria provided, single submitter. Criteria: CeGaT Center For Human Genetics Tuebingen Variant Classification Criteria Version 2. Collection method: clinical testing. Allele origin: germline. Affected: yes. Observed: 2 variant alleles.

Natera, Inc.
Classification: Uncertain significance for Leber congenital amaurosis. Last evaluated: 2021-07-29. Review status: no assertion criteria provided. Collection method: clinical testing. Allele origin: germline. Not counted in ClinVar's aggregate classification.